The following is an entry in ClinVar:

NM_002439.5(MSH3):c.3302+5G>A

Gene: MSH3 (mutS homolog 3; plus strand). Cytogenetic location: 5q14.1.
Variant type: single nucleotide variant.
Coding change: c.3302+5G>A on transcript NM_002439.5 (MANE Select); 5 bases into the intron after coding-DNA position 3302, G replaced by A.
Molecular consequence: intron variant.
Genome position (GRCh38, 1-based): chr5:80,873,292, G>A. VCF-style: chr5-80873292-G-A. GRCh37 (hg19) VCF-style: chr5-80169111-G-A.
Identifiers: ClinVar variation 3020522 (VCV003020522.3), dbSNP rs2112129014, ClinGen allele CA2709226182.

ClinVar aggregate classification (germline): Uncertain significance (1 of 4 stars; one submission).

Submission:

Labcorp Genetics (formerly Invitae), Labcorp
Classification: Uncertain significance. Last evaluated: 2023-06-13. Review status: criteria provided, single submitter. Criteria: Invitae Variant Classification Sherloc (09022015). Collection method: clinical testing. Allele origin: germline.
Comment: In summary, the available evidence is currently insufficient to determine the role of this variant in disease. Therefore, it has been classified as a Variant of Uncertain Significance. Variants that disrupt the consensus splice site are a relatively common cause of aberrant splicing (PMID: 17576681, 9536098). Algorithms developed to predict the effect of sequence changes on RNA splicing suggest that this variant may disrupt the consensus splice site. This variant has not been reported in the literature in individuals affected with MSH3-related conditions. This variant is not present in population databases (gnomAD no frequency). This sequence change falls in intron 23 of the MSH3 gene. It does not directly change the encoded amino acid sequence of the MSH3 protein. It affects a nucleotide within the consensus splice site.

Literature cited by the submitters: PubMed 17576681; PubMed 9536098.